The following is an entry in ClinVar:

ClinVar aggregate classification (germline): Uncertain significance. Review status: criteria provided, multiple submitters, no conflicts (2 of 4 stars). 3 submissions from 3 submitters: Uncertain significance (3). Last evaluated 2025-01-20.

Conditions:
Hereditary cancer-predisposing syndrome. Also called: Tumor predisposition; Neoplastic Syndromes, Hereditary; Hereditary neoplastic syndrome; Hereditary Cancer Syndrome. Identifiers: Orphanet 140162, MedGen C0027672, MeSH D009386, MONDO:0015356.
Breast-ovarian cancer, familial, susceptibility to, 4. Identifiers: Orphanet 145, MedGen C3280345, MONDO:0013669, OMIM 614291.

Submissions (3):

Ambry Genetics
Classification: Uncertain significance for Hereditary cancer-predisposing syndrome. Last evaluated: 2025-01-20. Review status: criteria provided, single submitter. Criteria: Ambry Variant Classification Scheme 2023. Collection method: clinical testing. Allele origin: germline.
Comment: The p.L237V variant (also known as c.709C>G), located in coding exon 8 of the RAD51D gene, results from a C to G substitution at nucleotide position 709. The leucine at codon 237 is replaced by valine, an amino acid with highly similar properties. This amino acid position is highly conserved in available vertebrate species. In addition, the in silico prediction for this alteration is inconclusive. Based on the available evidence, the clinical significance of this variant remains unclear.

Labcorp Genetics (formerly Invitae), Labcorp
Classification: Uncertain significance for Breast-ovarian cancer, familial, susceptibility to, 4. Last evaluated: 2022-05-29. Review status: criteria provided, single submitter. Criteria: Invitae Variant Classification Sherloc (09022015). Collection method: clinical testing. Allele origin: germline.
Comment: This sequence change replaces leucine, which is neutral and non-polar, with valine, which is neutral and non-polar, at codon 237 of the RAD51D protein (p.Leu237Val). This variant is not present in population databases (gnomAD no frequency). This variant has not been reported in the literature in individuals affected with RAD51D-related conditions. ClinVar contains an entry for this variant (Variation ID: 631140). Algorithms developed to predict the effect of missense changes on protein structure and function are either unavailable or do not agree on the potential impact of this missense change (SIFT: "Deleterious"; PolyPhen-2: "Possibly Damaging"; Align-GVGD: "Class C15"). In summary, the available evidence is currently insufficient to determine the role of this variant in disease. Therefore, it has been classified as a Variant of Uncertain Significance.

Color Diagnostics, LLC DBA Color Health
Classification: Uncertain significance for Hereditary cancer-predisposing syndrome. Last evaluated: 2019-03-06. Review status: criteria provided, single submitter. Criteria: ACMG Guidelines, 2015. Collection method: clinical testing. Allele origin: germline.

NM_002878.4(RAD51D):c.709C>G (p.Leu237Val)

Genes: RAD51L3-RFFL (RAD51L3-RFFL readthrough; minus strand), RAD51D (RAD51 paralog D; minus strand). Cytogenetic location: 17q12.
Variant type: single nucleotide variant.
Coding change: c.709C>G on transcript NM_002878.4 (MANE Select); coding-DNA position 709, C replaced by G.
Protein change: p.Leu237Val; replaces leucine 237 with valine.
Molecular consequence: missense variant. On other transcripts: non-coding transcript variant (3).
Genome position (GRCh38, 1-based): chr17:35,103,283, G>C on the plus strand (C>G on the coding strand, the complement: RAD51D is on the minus strand). VCF-style: chr17-35103283-G-C. GRCh37 (hg19) VCF-style: chr17-33430302-G-C.
Other names: c.769C>G, p.Leu257Val (NM_001142571.2); c.373C>G, p.Leu125Val (NM_133629.3); short protein forms L237V, L125V, L257V.
Identifiers: ClinVar variation 631140 (VCV000631140.13), dbSNP rs1555567510, ClinGen allele CA399087577.